The following is an entry in ClinVar:

ClinVar aggregate classification (germline): Likely pathogenic (1 of 4 stars; one submission).

Conditions:
Global developmental delay with or without impaired intellectual development. Identifiers: MedGen C5193032, MONDO:0032680, OMIM 618330.

Submission:

Neuberg Centre For Genomic Medicine, NCGM
Classification: Likely pathogenic for Global developmental delay with or without impaired intellectual development. Last evaluated: 2023-07-22. Review status: criteria provided, single submitter. Criteria: ACMG Guidelines, 2015. Collection method: clinical testing. Allele origin: germline. Inheritance: Autosomal dominant inheritance. Affected: yes.
Comment: The observed stop gained c.1696A>Tp.Lys566Ter variant in CUX1 gene has not been reported previously as a pathogenic variant nor as a benign variant, to our knowledge. This variant is absent in gnomAD Exomes. This variant is predicted to cause loss of normal protein function either through protein truncation or nonsense-mediated mRNA decay. Loss of function variants have been previously reported to be disease causing. Computational evidence MutationTaster - Disease causing automatic predicts damaging effect on protein structure and function for this variant. For these reasons, this variant has been classified as Likely Pathogenic.

NM_181552.4(CUX1):c.1696A>T (p.Lys566Ter)

Gene: CUX1 (cut like homeobox 1; plus strand). Cytogenetic location: 7q22.1.
Variant type: single nucleotide variant.
Coding change: c.1696A>T on transcript NM_181552.4 (MANE Select); coding-DNA position 1696, A replaced by T.
Protein change: p.Lys566Ter; replaces lysine 566 with a stop codon.
Molecular consequence: nonsense. On other transcripts: intron variant (5).
Genome position (GRCh38, 1-based): chr7:102,197,107, A>T. VCF-style: chr7-102197107-A-T. GRCh37 (hg19) VCF-style: chr7-101840387-A-T.
Other names: c.1729A>T, p.Lys577Ter (NM_001202543.2); c.1255+1504A>T (NM_001913.5); c.1249+1504A>T (NM_181500.4); c.1117+1504A>T (NM_001202545.3); c.1207+1504A>T (NM_001202544.3); c.1138+1504A>T (NM_001202546.3); short protein forms K566*, K577*.
Identifiers: ClinVar variation 3393423 (VCV003393423.1).